The following is an entry in ClinVar:

NM_001148.6(ANK2):c.11131A>T (p.Ile3711Phe)

Gene: ANK2 (ankyrin 2; plus strand). Cytogenetic location: 4q26.
Variant type: single nucleotide variant.
Coding change: c.11131A>T on transcript NM_001148.6 (MANE Select); coding-DNA position 11131, A replaced by T.
Protein change: p.Ile3711Phe; replaces isoleucine 3711 with phenylalanine.
Molecular consequence: missense variant.
Genome position (GRCh38, 1-based): chr4:113,367,664, A>T. VCF-style: chr4-113367664-A-T. GRCh37 (hg19) VCF-style: chr4-114288820-A-T.
Other names: c.4492A>T, p.Ile1498Phe (NM_001386157.1, NM_001354277.2); c.4393A>T, p.Ile1465Phe (NM_001386158.1); c.4720A>T, p.Ile1574Phe (NM_001386160.1); c.4810A>T, p.Ile1604Phe (NM_001386161.1, NM_001354244.2, NM_001354256.2); c.4690A>T, p.Ile1564Phe (NM_001386162.1, NM_001354249.2, NM_001354266.2 and 2 more transcripts); c.7531A>T, p.Ile2511Phe (NM_001386166.1); c.1276A>T, p.Ile426Phe (NM_001386167.1); c.11272A>T, p.Ile3758Phe (NM_001386174.1); and 35 more; short protein forms I1526F, I1539F, I1551F, I1571F, I1581F, I1592F, I1638F, I1645F.
Identifiers: ClinVar variation 3730040 (VCV003730040.2).

ClinVar aggregate classification (germline): Uncertain significance (1 of 4 stars; one submission).

Conditions:
Long QT syndrome (LQTS). Identifiers: MedGen C0023976, MeSH D008133, MONDO:0002442. Disease mechanism: loss of function. Inheritance: Various modes of inheritance.

gnomAD v4.1: 7 of 1,613,960 alleles (0.00043%); highest among the groups gnomAD compares: Middle Eastern, 0.033%; no homozygotes.

Submission:

Labcorp Genetics (formerly Invitae), Labcorp
Classification: Uncertain significance for Long QT syndrome. Last evaluated: 2024-11-04. Review status: criteria provided, single submitter. Criteria: Invitae Variant Classification Sherloc (09022015). Collection method: clinical testing. Allele origin: germline.
Comment: This sequence change replaces isoleucine, which is neutral and non-polar, with phenylalanine, which is neutral and non-polar, at codon 3711 of the ANK2 protein (p.Ile3711Phe). This variant is present in population databases (no rsID available, gnomAD 0.0009%). This variant has not been reported in the literature in individuals affected with ANK2-related conditions. Invitae Evidence Modeling of protein sequence and biophysical properties (such as structural, functional, and spatial information, amino acid conservation, physicochemical variation, residue mobility, and thermodynamic stability) indicates that this missense variant is not expected to disrupt ANK2 protein function with a negative predictive value of 80%. In summary, the available evidence is currently insufficient to determine the role of this variant in disease. Therefore, it has been classified as a Variant of Uncertain Significance.